The following is an entry in ClinVar:

ClinVar aggregate classification (germline): Uncertain significance (1 of 4 stars; one submission).

gnomAD v4.1: 3 of 1,603,276 alleles (0.00019%); highest among the groups gnomAD compares: Admixed American, 0.0018%; no homozygotes.

Submission:

GeneDx
Classification: Uncertain significance. Last evaluated: 2024-11-13. Review status: criteria provided, single submitter. Criteria: GeneDx Variant Classification Process June 2021. Collection method: clinical testing. Allele origin: germline.
Comment: In silico analysis supports that this missense variant has a deleterious effect on protein structure/function; Has not been previously published as pathogenic or benign to our knowledge

NM_032217.5(ANKRD17):c.3335G>A (p.Arg1112Gln)

Gene: ANKRD17 (ankyrin repeat domain 17; minus strand). Cytogenetic location: 4q13.3.
Variant type: single nucleotide variant.
Coding change: c.3335G>A on transcript NM_032217.5 (MANE Select); coding-DNA position 3335, G replaced by A.
Protein change: p.Arg1112Gln; replaces arginine 1112 with glutamine.
Molecular consequence: missense variant.
Genome position (GRCh38, 1-based): chr4:73,125,212, C>T on the plus strand (G>A on the coding strand, the complement: ANKRD17 is on the minus strand). VCF-style: chr4-73125212-C-T. GRCh37 (hg19) VCF-style: chr4-73990929-C-T.
Other names: c.2996G>A, p.Arg999Gln (NM_001286771.3); c.3332G>A, p.Arg1111Gln (NM_015574.2); c.2582G>A, p.Arg861Gln (NM_198889.3); short protein forms R1111Q, R1112Q, R861Q, R999Q.
Identifiers: ClinVar variation 3343535 (VCV003343535.2).
Genomic context (GRCh38, chr4:73,125,212, plus strand): 5'-TAAATTTTTTGACCAGTATTCCAAAAAATAAAACAAAAGTAGGCCCTACCTTTCTTGTCT[C>T]GGTGCTCTATACTAGCTCCTCTCTCTAGCAGTGTTTGTACCAGTTCCTCGTGGCCACCAG-3'
Protein context (NP_115593.3, residues 1102-1122): LLERGASIEH[Arg1112Gln]DKKGFTPLIL